The following is an entry in ClinVar:

NM_001378452.1(ITPR1):c.1661G>A (p.Arg554Gln)

Gene: ITPR1 (inositol 1,4,5-trisphosphate receptor type 1; plus strand). Cytogenetic location: 3p26.1.
Variant type: single nucleotide variant.
Coding change: c.1661G>A on transcript NM_001378452.1 (MANE Select); coding-DNA position 1661, G replaced by A.
Protein change: p.Arg554Gln; replaces arginine 554 with glutamine.
Molecular consequence: missense variant.
Genome position (GRCh38, 1-based): chr3:4,665,244, G>A. VCF-style: chr3-4665244-G-A. GRCh37 (hg19) VCF-style: chr3-4706928-G-A.
Other names: c.1661G>A, p.Arg554Gln (NM_001099952.4); c.1616G>A, p.Arg539Gln (NM_001168272.2, NM_002222.7); short protein forms R554Q, R539Q.
Identifiers: ClinVar variation 2981381 (VCV002981381.3), dbSNP rs529381187, ClinGen allele CA2231235.

ClinVar aggregate classification (germline): Uncertain significance (1 of 4 stars; one submission).

Allele frequency attached by ClinVar (database versions not stated): gnomAD 0.00001; TOPMed 0.00001; gnomAD exomes 0.00003; ExAC 0.00004; 1000 Genomes Project 30x 0.00016; 1000 Genomes Project 0.00020.
gnomAD v4.1: 45 of 1,613,994 alleles (0.0028%); highest among the groups gnomAD compares: South Asian, 0.021%; no homozygotes.

Submission:

Labcorp Genetics (formerly Invitae), Labcorp
Classification: Uncertain significance. Last evaluated: 2023-06-06. Review status: criteria provided, single submitter. Criteria: Invitae Variant Classification Sherloc (09022015). Collection method: clinical testing. Allele origin: germline.
Comment: Advanced modeling of protein sequence and biophysical properties (such as structural, functional, and spatial information, amino acid conservation, physicochemical variation, residue mobility, and thermodynamic stability) performed at Invitae indicates that this missense variant is not expected to disrupt ITPR1 protein function. This variant has not been reported in the literature in individuals affected with ITPR1-related conditions. This variant is present in population databases (rs529381187, gnomAD 0.02%). This sequence change replaces arginine, which is basic and polar, with glutamine, which is neutral and polar, at codon 539 of the ITPR1 protein (p.Arg539Gln). In summary, the available evidence is currently insufficient to determine the role of this variant in disease. Therefore, it has been classified as a Variant of Uncertain Significance.